The following is an entry in ClinVar:

NM_001042492.3(NF1):c.6148-17_6148-16insAG

Gene: NF1 (neurofibromin 1; plus strand). Cytogenetic location: 17q11.2.
Variant type: Insertion.
Coding change: c.6148-17_6148-16insAG on transcript NM_001042492.3 (MANE Select); 17 bases into the intron before coding-DNA position 6148 through 16 bases into the intron before coding-DNA position 6148, AG inserted.
Molecular consequence: intron variant.
Genome position: GRCh38 VCF-style: chr17-31336618-A-AAG. GRCh37 (hg19) VCF-style: chr17-29663636-A-AAG.
Other names: c.6085-17_6085-16insAG (NM_000267.4).
Identifiers: ClinVar variation 4615707 (VCV004615707.2).

ClinVar aggregate classification (germline): Likely pathogenic (1 of 4 stars; one submission).

Conditions:
Cardiovascular phenotype. Identifiers: MedGen CN230736.
Hereditary cancer-predisposing syndrome. Also called: Neoplastic Syndromes, Hereditary; Tumor predisposition; Hereditary Cancer Syndrome; Hereditary neoplastic syndrome. Identifiers: Orphanet 140162, MedGen C0027672, MeSH D009386, MONDO:0015356.

Submission:

Ambry Genetics
Classification: Likely pathogenic for Cardiovascular phenotype; Hereditary cancer-predisposing syndrome. Last evaluated: 2026-05-15. Review status: criteria provided, single submitter. Criteria: Ambry Variant Classification Scheme 2023. Collection method: clinical testing. Allele origin: germline.
Comment: The c.6085-17_6085-16insAG intronic variant begins 17 nucleotide(s) before coding exon 41 in the NF1 gene. This variant results from an insertion of 2 nucleotides at positions c.6085-17 to c.6085-16. This variant was reported in individual(s) with features consistent with Neurofibromatosis type 1; in at least one individual, it was determined to be de novo (Ambry internal data). In silico splice site analysis predicts that this alteration may weaken the native splice acceptor site. RNA studies have demonstrated that this variant results in abnormal splicing in the set of samples tested (Ambry internal data). This variant is considered to be rare based on population cohorts in the Genome Aggregation Database (gnomAD). Based on the majority of available evidence to date, this variant is likely to be pathogenic.